The following is an entry in ClinVar:

NM_001387690.1(KATNAL2):c.1477+8T>C

Gene: KATNAL2 (katanin catalytic subunit A1 like 2; plus strand). Cytogenetic location: 18q21.1.
Variant type: single nucleotide variant.
Coding change: c.1477+8T>C on transcript NM_001387690.1 (MANE Select); 8 bases into the intron after coding-DNA position 1477, T replaced by C.
Molecular consequence: intron variant.
Genome position (GRCh38, 1-based): chr18:47,100,364, T>C. VCF-style: chr18-47100364-T-C. GRCh37 (hg19) VCF-style: chr18-44626735-T-C.
Other names: c.1045+8T>C (NM_001353904.1); c.1555+8T>C (NM_001353899.1); c.1552+8T>C (NM_001353900.1); c.1144+8T>C (NM_001353903.1); c.1261+8T>C (NM_031303.3); c.1477+8T>C (NM_001367621.1).
Identifiers: ClinVar variation 3049860 (VCV003049860.2), dbSNP rs763523435, ClinGen allele CA8955371.

ClinVar aggregate classification (germline): Likely benign (0 of 4 stars; one submission).

Conditions:
KATNAL2-related disorder. Also called: KATNAL2-related condition.

Allele frequency attached by ClinVar (database versions not stated): gnomAD exomes below 0.00001; ExAC 0.00001; TOPMed 0.00001.
gnomAD v4.1: 6 of 1,607,700 alleles (0.00037%); highest among the groups gnomAD compares: African/African-American, 0.0027%; no homozygotes.

Submission:

PreventionGenetics, part of Exact Sciences
Classification: Likely benign for KATNAL2-related condition. Last evaluated: 2019-07-10. Review status: no assertion criteria provided. Collection method: clinical testing. Allele origin: germline.
Comment: This variant is classified as likely benign based on ACMG/AMP sequence variant interpretation guidelines (Richards et al. 2015 PMID: 25741868, with internal and published modifications).